The following is an entry in ClinVar:

ClinVar aggregate classification (germline): Likely pathogenic (1 of 4 stars; one submission).

Conditions:
Cone-rod dystrophy 9 (CORD9). Identifiers: Orphanet 1872, MedGen C1423873, MONDO:0013002, OMIM 612775.

Submission:

Juno Genomics, Hangzhou Juno Genomics, Inc
Classification: Likely pathogenic for Cone-rod dystrophy 9. Review status: criteria provided, single submitter. Criteria: ACMG Guidelines, 2015. Collection method: clinical testing. Allele origin: germline. Affected: yes.
Comment: Absent from controls (or at extremely low frequency if recessive) in Genome Aggregation Database, Exome Sequencing Project, 1000 Genomes Project, or Exome Aggregation Consortium.;Null variant in a gene where loss of function (LOF) is a known mechanism of disease.

NM_003816.3(ADAM9):c.103C>T (p.Gln35Ter)

Gene: ADAM9 (ADAM metallopeptidase domain 9; plus strand). Cytogenetic location: 8p11.22.
Variant type: single nucleotide variant.
Coding change: c.103C>T on transcript NM_003816.3 (MANE Select); coding-DNA position 103, C replaced by T.
Protein change: p.Gln35Ter; replaces glutamine 35 with a stop codon.
Molecular consequence: nonsense. On other transcripts: non-coding transcript variant (3).
Genome position (GRCh38, 1-based): chr8:39,007,891, C>T. VCF-style: chr8-39007891-C-T. GRCh37 (hg19) VCF-style: chr8-38865410-C-T.
Other names: short protein forms Q35*.
Identifiers: ClinVar variation 3382263 (VCV003382263.2).